The following is an entry in ClinVar:

NM_000497.4(CYP11B1):c.4G>A (p.Ala2Thr)

Genes: CYP11B1 (cytochrome P450 family 11 subfamily B member 1; minus strand), LOC110673972 (CYP11B1 promoter; plus strand). Cytogenetic location: 8q24.3.
Variant type: single nucleotide variant.
Coding change: c.4G>A on transcript NM_000497.4 (MANE Select); coding-DNA position 4, G replaced by A.
Protein change: p.Ala2Thr; replaces alanine 2 with threonine.
Molecular consequence: missense variant.
Genome position (GRCh38, 1-based): chr8:142,879,810, C>T on the plus strand (G>A on the coding strand, the complement: CYP11B1 is on the minus strand). VCF-style: chr8-142879810-C-T. GRCh37 (hg19) VCF-style: chr8-143961226-C-T.
Other names: c.4G>A, p.Ala2Thr (NM_001026213.1); short protein forms A2T.
Identifiers: ClinVar variation 1930025 (VCV001930025.2), dbSNP rs746696910, ClinGen allele CA4905744.

ClinVar aggregate classification (germline): Uncertain significance (1 of 4 stars; one submission).

Allele frequency attached by ClinVar (database versions not stated): ExAC 0.00001; gnomAD exomes 0.00001.

Submission:

Labcorp Genetics (formerly Invitae), Labcorp
Classification: Uncertain significance. Last evaluated: 2022-10-05. Review status: criteria provided, single submitter. Criteria: Invitae Variant Classification Sherloc (09022015). Collection method: clinical testing. Allele origin: germline.
Comment: This sequence change replaces alanine, which is neutral and non-polar, with threonine, which is neutral and polar, at codon 2 of the CYP11B1 protein (p.Ala2Thr). This variant is present in population databases (rs746696910, gnomAD 0.002%). This variant has not been reported in the literature in individuals affected with CYP11B1-related conditions. Advanced modeling of protein sequence and biophysical properties (such as structural, functional, and spatial information, amino acid conservation, physicochemical variation, residue mobility, and thermodynamic stability) performed at Invitae indicates that this missense variant is not expected to disrupt CYP11B1 protein function. In summary, the available evidence is currently insufficient to determine the role of this variant in disease. Therefore, it has been classified as a Variant of Uncertain Significance.